The following is an entry in ClinVar:

NM_138927.4(SON):c.5910C>G (p.Arg1970=)

Gene: SON (SON DNA and RNA binding protein; plus strand). Cytogenetic location: 21q22.11.
Variant type: single nucleotide variant.
Coding change: c.5910C>G on transcript NM_138927.4 (MANE Select); coding-DNA position 5910, C replaced by G.
Protein change: p.Arg1970=; no amino-acid change (arginine 1970 retained).
Molecular consequence: synonymous variant. On other transcripts: non-coding transcript variant (1), intron variant (1).
Genome position (GRCh38, 1-based): chr21:33,555,141, C>G. VCF-style: chr21-33555141-C-G. GRCh37 (hg19) VCF-style: chr21-34927447-C-G.
Other names: c.5910C>G, p.Arg1970= (NM_032195.3, NM_058183.2, NM_138926.1 and 2 more transcripts); c.245-2015C>G (NM_001291412.3).
Identifiers: ClinVar variation 2181311 (VCV002181311.18), dbSNP rs1458954705, ClinGen allele CA512339283.

ClinVar aggregate classification (germline): Likely benign. Review status: criteria provided, multiple submitters, no conflicts (2 of 4 stars). 2 submissions from 2 submitters: Likely benign (2). Last evaluated 2024-10-01.

Submissions (2):

CeGaT Center for Human Genetics Tuebingen
Classification: Likely benign. Last evaluated: 2024-10-01. Review status: criteria provided, single submitter. Criteria: CeGaT Center For Human Genetics Tuebingen Variant Classification Criteria Version 2. Collection method: clinical testing. Allele origin: germline. Affected: yes. Observed: 1 variant allele.
Comment: SON: BP4, BP7

Labcorp Genetics (formerly Invitae), Labcorp
Classification: Likely benign. Last evaluated: 2022-09-06. Review status: criteria provided, single submitter. Criteria: Invitae Variant Classification Sherloc (09022015). Collection method: clinical testing. Allele origin: germline.